The following is an entry in ClinVar:

ClinVar aggregate classification (germline): Uncertain significance. Review status: criteria provided, multiple submitters, no conflicts (2 of 4 stars). 2 submissions from 2 submitters: Uncertain significance (2). Last evaluated 2020-10-13.

Conditions:
Peutz-Jeghers syndrome (PJS). Also called: POLYPOSIS, HAMARTOMATOUS INTESTINAL; POLYPS-AND-SPOTS SYNDROME; Peutz-Jeghers polyposis; Periorificial lentiginosis syndrome. Identifiers: Orphanet 2869, MedGen C0031269, MeSH D010580, MONDO:0008280, OMIM 175200.
Hereditary cancer-predisposing syndrome. Also called: Neoplastic Syndromes, Hereditary; Hereditary Cancer Syndrome; Tumor predisposition; Hereditary neoplastic syndrome. Identifiers: Orphanet 140162, MedGen C0027672, MeSH D009386, MONDO:0015356.

Allele frequency attached by ClinVar (database versions not stated): gnomAD exomes below 0.00001.

Submissions (2):

Ambry Genetics
Classification: Uncertain significance for Hereditary cancer-predisposing syndrome. Last evaluated: 2020-10-13. Review status: criteria provided, single submitter. Criteria: Ambry Variant Classification Scheme 2023. Collection method: clinical testing. Allele origin: germline.
Comment: The p.V20M variant (also known as c.58G>A), located in coding exon 1 of the STK11 gene, results from a G to A substitution at nucleotide position 58. The valine at codon 20 is replaced by methionine, an amino acid with highly similar properties. This amino acid position is highly conserved in available vertebrate species. In addition, the in silico prediction for this alteration is inconclusive. Since supporting evidence is limited at this time, the clinical significance of this alteration remains unclear.

Labcorp Genetics (formerly Invitae), Labcorp
Classification: Uncertain significance for Peutz-Jeghers syndrome. Last evaluated: 2018-03-06. Review status: criteria provided, single submitter. Criteria: Invitae Variant Classification Sherloc (09022015). Collection method: clinical testing. Allele origin: germline.
Comment: This sequence change replaces valine with methionine at codon 20 of the STK11 protein (p.Val20Met). The valine residue is moderately conserved and there is a small physicochemical difference between valine and methionine. This variant is not present in population databases (ExAC no frequency). This variant has not been reported in the literature in individuals with STK11-related disease. Algorithms developed to predict the effect of missense changes on protein structure and function (SIFT, PolyPhen-2, Align-GVGD) all suggest that this variant is likely to be tolerated, but these predictions have not been confirmed by published functional studies and their clinical significance is uncertain. In summary, the available evidence is currently insufficient to determine the role of this variant in disease. Therefore, it has been classified as a Variant of Uncertain Significance.

NM_000455.5(STK11):c.58G>A (p.Val20Met)

Gene: STK11 (serine/threonine kinase 11; plus strand). Cytogenetic location: 19p13.3.
Variant type: single nucleotide variant.
Coding change: c.58G>A on transcript NM_000455.5 (MANE Select); coding-DNA position 58, G replaced by A.
Protein change: p.Val20Met; replaces valine 20 with methionine.
Molecular consequence: missense variant.
Genome position (GRCh38, 1-based): chr19:1,206,971, G>A. VCF-style: chr19-1206971-G-A. GRCh37 (hg19) VCF-style: chr19-1206970-G-A.
Other names: short protein forms V20M.
Identifiers: ClinVar variation 583340 (VCV000583340.11), dbSNP rs1555734898, ClinGen allele CA402943363.